The following is an entry in ClinVar:

NM_017714.3(TASP1):c.404-6_404-5dup

Gene: TASP1 (taspase 1; minus strand). Cytogenetic location: 20p12.1.
Variant type: Duplication.
Coding change: c.404-6_404-5dup on transcript NM_017714.3 (MANE Select); 6 bases into the intron before coding-DNA position 404 through 5 bases into the intron before coding-DNA position 404, 2 bases duplicated (TT; older notation c.404-6_404-5dupTT).
Molecular consequence: intron variant.
Genome position (GRCh38, 1-based): chr20:13,580,986-13,580,987, AA duplicated on the plus strand (TT on the coding strand, the reverse complement: TASP1 is on the minus strand); duplicating any 2 consecutive bases within chr20:13,580,986-13,581,001 gives the same sequence; the c. name uses the placement nearest the transcript's 3' end. VCF-style (leftmost placement, unchanged base first): chr20-13580985-T-TAA. GRCh37 (hg19) VCF-style: chr20-13561632-T-TAA.
Other names: c.282+42459_282+42460dup (NM_001323602.2); c.98-6_98-5dup (NM_001323604.2, NM_001323603.2).
Identifiers: ClinVar variation 3059496 (VCV003059496.2), dbSNP rs71334133, ClinGen allele CA9766731.
Genomic context (GRCh38, chr20:13,580,985, plus strand): 5'-TGCCCTTCTGCCCTTCACATAAGAGTCTGTTGGCAACCGAGACTGGGTTCTTGATTCCTA[T>TAA]AAAAAAAAAAAAAAAATTGGCAAAAAAGATGTCAGAAATGTCTTCTAGTTTCCCACTCAG-3'

ClinVar aggregate classification (germline): Benign (0 of 4 stars; one submission).

Conditions:
TASP1-related disorder. Also called: TASP1-related condition.

Submission:

PreventionGenetics, part of Exact Sciences
Classification: Benign for TASP1-related condition. Last evaluated: 2019-11-20. Review status: no assertion criteria provided. Collection method: clinical testing. Allele origin: germline.
Comment: This variant is classified as benign based on ACMG/AMP sequence variant interpretation guidelines (Richards et al. 2015 PMID: 25741868, with internal and published modifications).